The following is an entry in ClinVar:

NM_001244008.2(KIF1A):c.3293G>A (p.Gly1098Asp)

Gene: KIF1A (kinesin family member 1A; minus strand). Cytogenetic location: 2q37.3.
Variant type: single nucleotide variant.
Coding change: c.3293G>A on transcript NM_001244008.2 (MANE Select); coding-DNA position 3293, G replaced by A.
Protein change: p.Gly1098Asp; replaces glycine 1098 with aspartic acid.
Molecular consequence: missense variant.
Genome position (GRCh38, 1-based): chr2:240,745,819, C>T on the plus strand (G>A on the coding strand, the complement: KIF1A is on the minus strand). VCF-style: chr2-240745819-C-T. GRCh37 (hg19) VCF-style: chr2-241685236-C-T.
Other names: c.3017G>A, p.Gly1006Asp (NM_001320705.2, NM_001330289.2, NM_001379638.1); c.3092G>A, p.Gly1031Asp (NM_001330290.2, NM_001379634.1, NM_001379635.1 and 1 more transcripts); c.3368G>A, p.Gly1123Asp (NM_001379631.1); c.3242G>A, p.Gly1081Asp (NM_001379632.1); c.3266G>A, p.Gly1089Asp (NM_001379633.1, NM_001379642.1, NM_001379645.1); c.2990G>A, p.Gly997Asp (NM_001379636.1, NM_001379639.1, NM_001379641.1 and 6 more transcripts); c.3065G>A, p.Gly1022Asp (NM_001379637.1, NM_001379648.1); c.2987G>A, p.Gly996Asp (NM_001379640.1); short protein forms G1031D, G1081D, G1089D, G997D, G1006D, G1123D, G996D, G1022D.
Identifiers: ClinVar variation 2045336 (VCV002045336.4), dbSNP rs751397404, ClinGen allele CA2207846.
Genomic context (GRCh38, chr2:240,745,819, plus strand): 5'-GCATATTCGGCAGAGATGCTGGACGCCTGCAGGACTGTCACACGGAAGGTGAAGGTGTTG[C>T]CCAGGCGGAGGTGGTCCAGGGCAGCATCCAGGGGCCCATCCAGGGCGGCTTTCTCAGAGC-3'
Protein context (NP_001230937.1, residues 1088-1108): LDAALDHLRL[Gly1098Asp]NTFTFRVTVL

ClinVar aggregate classification (germline): Uncertain significance (1 of 4 stars; one submission).

Conditions:
Hereditary spastic paraplegia 30. Identifiers: Orphanet 101010, MedGen C5235139, MONDO:0012476.
Neuropathy, hereditary sensory, type 2C. Also called: Hereditary sensory and autonomic neuropathy type IIC; KIF1A-Related HSAN2 (HSAN2C). Identifiers: Orphanet 970, MedGen C3280168, MONDO:0013634, OMIM 614213.
Intellectual disability, autosomal dominant 9 (NESCAVS). Also called: NESCAV SYNDROME; KIF1A-Related Neurodevelopmental Disorder. Identifiers: Orphanet 662367, MedGen C5393830, MONDO:0013656, OMIM 614255.

Allele frequency attached by ClinVar (database versions not stated): gnomAD exomes below 0.00001; gnomAD 0.00001; TOPMed 0.00001; ExAC 0.00002.
gnomAD v4.1: 5 of 1,612,722 alleles (0.00031%); highest among the groups gnomAD compares: Admixed American, 0.0033%; no homozygotes.

Submission:

Labcorp Genetics (formerly Invitae), Labcorp
Classification: Uncertain significance for Hereditary spastic paraplegia 30; Neuropathy, hereditary sensory, type 2C; Intellectual disability, autosomal dominant 9. Last evaluated: 2025-02-02. Review status: criteria provided, single submitter. Criteria: Invitae Variant Classification Sherloc (09022015). Collection method: clinical testing. Allele origin: germline.
Comment: This sequence change replaces glycine, which is neutral and non-polar, with aspartic acid, which is acidic and polar, at codon 997 of the KIF1A protein (p.Gly997Asp). This variant is present in population databases (rs751397404, gnomAD 0.007%). This variant has not been reported in the literature in individuals affected with KIF1A-related conditions. ClinVar contains an entry for this variant (Variation ID: 2045336). Invitae Evidence Modeling of protein sequence and biophysical properties (such as structural, functional, and spatial information, amino acid conservation, physicochemical variation, residue mobility, and thermodynamic stability) has been performed for this missense variant. However, the output from this modeling did not meet the statistical confidence thresholds required to predict the impact of this variant on KIF1A protein function. In summary, the available evidence is currently insufficient to determine the role of this variant in disease. Therefore, it has been classified as a Variant of Uncertain Significance.